The following is an entry in ClinVar:

ClinVar aggregate classification (germline): Uncertain significance (1 of 4 stars; one submission).

Allele frequency attached by ClinVar (database versions not stated): gnomAD 0.00001; TOPMed 0.00001.
gnomAD v4.1: 4 of 1,613,902 alleles (0.00025%); highest among the groups gnomAD compares: Admixed American, 0.0067%; no homozygotes.

Submission:

GeneDx
Classification: Uncertain significance. Last evaluated: 2022-05-16. Review status: criteria provided, single submitter. Criteria: GeneDx Variant Classification Process June 2021. Collection method: clinical testing. Allele origin: germline. Affected: yes.
Comment: Not observed at significant frequency in large population cohorts (gnomAD); In silico analysis supports that this missense variant has a deleterious effect on protein structure/function; Has not been previously published as pathogenic or benign to our knowledge

NM_206933.4(USH2A):c.3172C>A (p.Pro1058Thr)

Genes: USH2A (usherin; minus strand), USH2A-AS1 (USH2A antisense RNA 1; plus strand). Cytogenetic location: 1q41.
Variant type: single nucleotide variant.
Coding change: c.3172C>A on transcript NM_206933.4 (MANE Select); coding-DNA position 3172, C replaced by A.
Protein change: p.Pro1058Thr; replaces proline 1058 with threonine.
Molecular consequence: missense variant.
Genome position (GRCh38, 1-based): chr1:216,207,417, G>T on the plus strand (C>A on the coding strand, the complement: USH2A is on the minus strand). VCF-style: chr1-216207417-G-T. GRCh37 (hg19) VCF-style: chr1-216380759-G-T.
Other names: c.3172C>A, p.Pro1058Thr (NM_007123.6); short protein forms P1058T.
Identifiers: ClinVar variation 1800581 (VCV001800581.1), dbSNP rs1386887790, ClinGen allele CA344862617.
Genomic context (GRCh38, chr1:216,207,417, plus strand): 5'-CAGGTGGACTCCAGGAGAGATTGATAGCAGAAGAACTTTGAACTTGTCCTCTGGGCGGAG[G>T]TTGCTGGAATGGAGCTAAATTACAATGAAGAGAGCATTTATTAGCAAAGCAATCAATAAA-3'
Protein context (NP_996816.3, residues 1048-1068): LGCSKTPFQQ[Pro1058Thr]PPRGQVQSSS